The following is an entry in ClinVar:

ClinVar aggregate classification (germline): Likely pathogenic (1 of 4 stars; one submission).

Conditions:
Neurodevelopmental disorder with or without hyperkinetic movements and seizures, autosomal dominant. Also called: Intellectual disability, autosomal dominant 8. Identifiers: MedGen C3280282, MONDO:0013655, OMIM 614254.

Submission:

Servicio Canario de Salud, Hospital Universitario Nuestra Sra. de Candelaria
Classification: Likely pathogenic for Neurodevelopmental disorder with or without hyperkinetic movements and seizures, autosomal dominant. Last evaluated: 2022-11-10. Review status: criteria provided, single submitter. Criteria: ACMG Guidelines, 2015. Collection method: clinical testing. Allele origin: germline. Inheritance: Autosomal dominant inheritance. Affected: yes. Observed: 1 heterozygote.
Comment: This variant was absent from large population databases, including the Genome Aggregation Database. Has not been previously published as pathogenic or benign to our knowledge. In silico analysis is inconsistent in its predictions as to whether or not the variant is damaging to the protein structure/function (MutationTaster, SIFT, PolyPhen, CADD). Therefore, this variant is classified as likely pathogenic according to the recommendation of ACMG/AMP guideline.

NM_007327.4(GRIN1):c.1447A>C (p.Lys483Gln)

Gene: GRIN1 (glutamate ionotropic receptor NMDA type subunit 1; plus strand). Cytogenetic location: 9q34.3.
Variant type: single nucleotide variant.
Coding change: c.1447A>C on transcript NM_007327.4 (MANE Select); coding-DNA position 1447, A replaced by C.
Protein change: p.Lys483Gln; replaces lysine 483 with glutamine.
Molecular consequence: missense variant.
Genome position (GRCh38, 1-based): chr9:137,161,396, A>C. VCF-style: chr9-137161396-A-C. GRCh37 (hg19) VCF-style: chr9-140055848-A-C.
Other names: c.1447A>C, p.Lys483Gln (NM_000832.7, NM_021569.4); c.1510A>C, p.Lys504Gln (NM_001185090.2, NM_001185091.2); short protein forms K483Q, K504Q.
Identifiers: ClinVar variation 1801825 (VCV001801825.3), dbSNP rs2538627080, ClinGen allele CA375716829.